The following is an entry in ClinVar:

ClinVar aggregate classification (germline): Uncertain significance. Review status: criteria provided, multiple submitters, no conflicts (2 of 4 stars). 3 submissions from 3 submitters: Uncertain significance (3). Last evaluated 2023-03-09.

Conditions:
Immunodeficiency, common variable, 7. Identifiers: Orphanet 1572, Orphanet 696894, MedGen C3542922, MONDO:0013862, OMIM 614699.

Allele frequency attached by ClinVar (database versions not stated): gnomAD exomes below 0.00001; TOPMed below 0.00001; ExAC 0.00001.
gnomAD v4.1: 3 of 1,613,984 alleles (0.00019%); highest among the groups gnomAD compares: South Asian, 0.0011%; no homozygotes.

Submissions (3):

Blueprint Genetics
Classification: Uncertain significance. Last evaluated: 2023-03-09. Review status: criteria provided, single submitter. Criteria: ACMG Guidelines, 2015. Collection method: clinical testing. Allele origin: germline.

Labcorp Genetics (formerly Invitae), Labcorp
Classification: Uncertain significance for Immunodeficiency, common variable, 7. Last evaluated: 2021-03-20. Review status: criteria provided, single submitter. Criteria: Invitae Variant Classification Sherloc (09022015). Collection method: clinical testing. Allele origin: germline.
Comment: In summary, the available evidence is currently insufficient to determine the role of this variant in disease. Therefore, it has been classified as a Variant of Uncertain Significance. Algorithms developed to predict the effect of missense changes on protein structure and function are either unavailable or do not agree on the potential impact of this missense change (SIFT: "Tolerated"; PolyPhen-2: "Possibly Damaging"; Align-GVGD: "Class C0"). This variant has not been reported in the literature in individuals with CR2-related conditions. This variant is present in population databases (rs745407153, ExAC 0.001%). This sequence change replaces proline with alanine at codon 229 of the CR2 protein (p.Pro229Ala). The proline residue is highly conserved and there is a small physicochemical difference between proline and alanine.

Breakthrough Genomics
Classification: Uncertain significance. Review status: criteria provided, single submitter. Criteria: ACMG Guidelines, 2015. Collection method: not provided. Allele origin: germline. Inheritance: Autosomal recessive inheritance. Affected: yes.

NM_001006658.3(CR2):c.685C>G (p.Pro229Ala)

Gene: CR2 (complement C3d receptor 2; plus strand). Cytogenetic location: 1q32.2.
Variant type: single nucleotide variant.
Coding change: c.685C>G on transcript NM_001006658.3 (MANE Select); coding-DNA position 685, C replaced by G.
Protein change: p.Pro229Ala; replaces proline 229 with alanine.
Molecular consequence: missense variant.
Genome position (GRCh38, 1-based): chr1:207,468,850, C>G. VCF-style: chr1-207468850-C-G. GRCh37 (hg19) VCF-style: chr1-207642195-C-G.
Other names: c.685C>G, p.Pro229Ala (NM_001877.5); short protein forms P229A.
Identifiers: ClinVar variation 1351342 (VCV001351342.10), dbSNP rs745407153, ClinGen allele CA1368508.
Genomic context (GRCh38, chr1:207,468,850, plus strand): 5'-TGTTTTTTAGAGGCACGCTGTAAATCTCTAGGACGATTTCCCAATGGGAAGGTAAAGGAG[C>G]CTCCAATTCTCCGGGTTGGTGTAACTGCAAACTTTTTCTGTGATGAAGGGTGAGTGTCAG-3'
Protein context (NP_001006659.1, residues 219-239): GRFPNGKVKE[Pro229Ala]PILRVGVTAN